The following is an entry in ClinVar:

NM_024753.5(TTC21B):c.3077A>G (p.Gln1026Arg)

Gene: TTC21B (tetratricopeptide repeat domain 21B; minus strand). Cytogenetic location: 2q24.3.
Variant type: single nucleotide variant.
Coding change: c.3077A>G on transcript NM_024753.5 (MANE Select); coding-DNA position 3077, A replaced by G.
Protein change: p.Gln1026Arg; replaces glutamine 1026 with arginine.
Molecular consequence: missense variant.
Genome position (GRCh38, 1-based): chr2:165,890,862, T>C on the plus strand (A>G on the coding strand, the complement: TTC21B is on the minus strand). VCF-style: chr2-165890862-T-C. GRCh37 (hg19) VCF-style: chr2-166747372-T-C.
Other names: short protein forms Q1026R.
Identifiers: ClinVar variation 1377168 (VCV001377168.6), dbSNP rs753645075, ClinGen allele CA59774099.

ClinVar aggregate classification (germline): Uncertain significance (1 of 4 stars; one submission).

Conditions:
Nephronophthisis. Also called: Juvenile Nephronophthisis. Identifiers: Orphanet 655, MedGen C0687120, MONDO:0019005, HP:0000090.
Jeune thoracic dystrophy. Also called: Jeune syndrome; Infantile thoracic dystrophy; Thoracic pelvic phalangeal dystrophy; Jeune's syndrome; Chondroectodermal dysplasia-like syndrome; Short-rib thoracic dysplasia. Identifiers: Orphanet 474, MedGen C0265275, MONDO:0018770.

Allele frequency attached by ClinVar (database versions not stated): gnomAD exomes below 0.00001; TOPMed below 0.00001.
gnomAD v4.1: 6 of 1,613,460 alleles (0.00037%); highest among the groups gnomAD compares: Non-Finnish European, 0.00051%; no homozygotes.

Submission:

Labcorp Genetics (formerly Invitae), Labcorp
Classification: Uncertain significance for Jeune thoracic dystrophy; Nephronophthisis. Last evaluated: 2021-10-04. Review status: criteria provided, single submitter. Criteria: Invitae Variant Classification Sherloc (09022015). Collection method: clinical testing. Allele origin: germline.
Comment: In summary, the available evidence is currently insufficient to determine the role of this variant in disease. Therefore, it has been classified as a Variant of Uncertain Significance. Algorithms developed to predict the effect of missense changes on protein structure and function (SIFT, PolyPhen-2, Align-GVGD) all suggest that this variant is likely to be tolerated. This variant has not been reported in the literature in individuals affected with TTC21B-related conditions. This variant is not present in population databases (ExAC no frequency). This sequence change replaces glutamine with arginine at codon 1026 of the TTC21B protein (p.Gln1026Arg). The glutamine residue is moderately conserved and there is a small physicochemical difference between glutamine and arginine.